The following is an entry in ClinVar:

ClinVar aggregate classification (germline): Uncertain significance (1 of 4 stars; one submission).

Conditions:
Early-infantile DEE. Also called: Early infantile epileptic encephalopathy; Ohtahara syndrome; Early infantile epileptic encephalopathy with suppression bursts. Identifiers: Orphanet 1934, MedGen C0393706, MONDO:0800491.

Submission:

Labcorp Genetics (formerly Invitae), Labcorp
Classification: Uncertain significance for Early-infantile DEE. Last evaluated: 2021-11-28. Review status: criteria provided, single submitter. Criteria: Invitae Variant Classification Sherloc (09022015). Collection method: clinical testing. Allele origin: germline.
Comment: In summary, the available evidence is currently insufficient to determine the role of this variant in disease. Therefore, it has been classified as a Variant of Uncertain Significance. This sequence change replaces leucine, which is neutral and non-polar, with valine, which is neutral and non-polar, at codon 125 of the SCN1A protein (p.Leu125Val). This variant is not present in population databases (gnomAD no frequency). This variant has not been reported in the literature in individuals affected with SCN1A-related conditions. Algorithms developed to predict the effect of missense changes on protein structure and function are either unavailable or do not agree on the potential impact of this missense change (SIFT: "Deleterious"; PolyPhen-2: "Benign"; Align-GVGD: "Class C25").

NM_001165963.4(SCN1A):c.373T>G (p.Leu125Val)

Gene: SCN1A (sodium voltage-gated channel alpha subunit 1; minus strand). Cytogenetic location: 2q24.3.
Variant type: single nucleotide variant.
Coding change: c.373T>G on transcript NM_001165963.4 (MANE Select); coding-DNA position 373, T replaced by G.
Protein change: p.Leu125Val; replaces leucine 125 with valine.
Molecular consequence: missense variant. On other transcripts: 5 prime UTR variant (1), non-coding transcript variant (1).
Genome position (GRCh38, 1-based): chr2:166,058,580, A>C on the plus strand (T>G on the coding strand, the complement: SCN1A is on the minus strand). VCF-style: chr2-166058580-A-C. GRCh37 (hg19) VCF-style: chr2-166915090-A-C.
Other names: c.373T>G, p.Leu125Val (NM_001165964.3, NM_001202435.3, NM_001353948.2 and 10 more transcripts); c.-2053T>G (NM_001353961.2); short protein forms L125V.
Identifiers: ClinVar variation 2011463 (VCV002011463.4), dbSNP rs2468271656, ClinGen allele CA349076791.